The following is an entry in ClinVar:

NM_033026.6(PCLO):c.9530C>T (p.Thr3177Met)

Gene: PCLO (piccolo presynaptic cytomatrix protein; minus strand). Cytogenetic location: 7q21.11.
Variant type: single nucleotide variant.
Coding change: c.9530C>T on transcript NM_033026.6 (MANE Select); coding-DNA position 9530, C replaced by T.
Protein change: p.Thr3177Met; replaces threonine 3177 with methionine.
Molecular consequence: missense variant.
Genome position (GRCh38, 1-based): chr7:82,951,058, G>A on the plus strand (C>T on the coding strand, the complement: PCLO is on the minus strand). VCF-style: chr7-82951058-G-A. GRCh37 (hg19) VCF-style: chr7-82580374-G-A.
Other names: c.9530C>T, p.Thr3177Met (NM_014510.3); short protein forms T3177M.
Identifiers: ClinVar variation 1365854 (VCV001365854.3), dbSNP rs146735127, ClinGen allele CA4319901.

ClinVar aggregate classification (germline): Uncertain significance (1 of 4 stars; one submission).

Allele frequency attached by ClinVar (database versions not stated): 1000 Genomes Project 30x 0.00031; 1000 Genomes Project 0.00040.
gnomAD v4.1: 267 of 1,613,812 alleles (0.017%); highest among the groups gnomAD compares: Admixed American, 0.085%; no homozygotes.

Submission:

Labcorp Genetics (formerly Invitae), Labcorp
Classification: Uncertain significance. Last evaluated: 2022-09-01. Review status: criteria provided, single submitter. Criteria: Invitae Variant Classification Sherloc (09022015). Collection method: clinical testing. Allele origin: germline.
Comment: This sequence change replaces threonine, which is neutral and polar, with methionine, which is neutral and non-polar, at codon 3177 of the PCLO protein (p.Thr3177Met). This variant is present in population databases (rs146735127, gnomAD 0.02%). This variant has not been reported in the literature in individuals affected with PCLO-related conditions. ClinVar contains an entry for this variant (Variation ID: 1365854). Algorithms developed to predict the effect of missense changes on protein structure and function are either unavailable or do not agree on the potential impact of this missense change (SIFT: "Tolerated"; PolyPhen-2: "Not Available"; Align-GVGD: "Class C0"). In summary, the available evidence is currently insufficient to determine the role of this variant in disease. Therefore, it has been classified as a Variant of Uncertain Significance.